The following is an entry in ClinVar:

ClinVar aggregate classification (germline): Uncertain significance (1 of 4 stars; one submission).

Submissions (2):

GeneDx
Classification: Uncertain significance. Last evaluated: 2026-04-15. Review status: criteria provided, single submitter. Criteria: GeneDx Variant Classification Process June 2021. Collection method: clinical testing. Allele origin: germline.
Comment: Has not been previously published as pathogenic or benign to our knowledge; In silico analysis supports a deleterious effect on splicing

Dr. Peter K. Rogan Lab, Western University
No classification provided (evidence only). Condition: Uveal melanoma. Review status: no classification provided. Collection method: in vitro. Allele origin: not applicable. Functional consequence: skipped exon. Not counted in ClinVar's aggregate classification.

NM_145246.5(FRA10AC1):c.826+5_826+8del

Gene: FRA10AC1 (FRA10A associated CGG repeat 1; minus strand). Cytogenetic location: 10q23.33.
Variant type: Microsatellite.
Coding change: c.826+5_826+8del on transcript NM_145246.5 (MANE Select); bases 5 to 8 of the intron after coding-DNA position 826, 4 bases deleted (GTAA; older notation c.826+5_826+8delGTAA).
Molecular consequence: splice donor variant.
Genome position (GRCh38, 1-based): chr10:93,676,645-93,676,648, TTAC deleted on the plus strand (GTAA on the coding strand, the reverse complement: FRA10AC1 is on the minus strand); deleting any 4 consecutive bases within chr10:93,676,645-93,676,653 gives the same sequence; the c. name uses the placement nearest the transcript's 3' end. VCF-style (leftmost placement, unchanged base first): chr10-93676644-GTTAC-G. GRCh37 (hg19) VCF-style: chr10-95436401-GTTAC-G.
Other names: NC_000010.10:g.95436407_95436410del; c.826_826+3del (NM_145246.5); c.826+5_826+8del (NM_001347714.2, NM_001347715.2, NM_001347713.2 and 1 more transcripts).
Identifiers: ClinVar variation 4088134 (VCV004088134.3).